The following is an entry in ClinVar:

ClinVar aggregate classification (germline): Uncertain significance (1 of 4 stars; one submission).

Conditions:
Eichsfeld type congenital muscular dystrophy (CMYO3). Also called: Rigid spine muscular dystrophy 1; MYOPATHY, SEPN1-RELATED; SELENON-related myopathy; Congenital myopathy 3 with rigid spine. Identifiers: MedGen C0410180, MONDO:0100100, OMIM 602771.

Submission:

Labcorp Genetics (formerly Invitae), Labcorp
Classification: Uncertain significance for Eichsfeld type congenital muscular dystrophy. Last evaluated: 2022-07-21. Review status: criteria provided, single submitter. Criteria: Invitae Variant Classification Sherloc (09022015). Collection method: clinical testing. Allele origin: germline.
Comment: This sequence change falls in intron 1 of the SELENON gene. It does not directly change the encoded amino acid sequence of the SELENON protein. It affects a nucleotide within the consensus splice site. This variant is not present in population databases (gnomAD no frequency). This variant has not been reported in the literature in individuals affected with SELENON-related conditions. Variants that disrupt the consensus splice site are a relatively common cause of aberrant splicing (PMID: 17576681, 9536098). Algorithms developed to predict the effect of sequence changes on RNA splicing suggest that this variant may disrupt the consensus splice site. In summary, the available evidence is currently insufficient to determine the role of this variant in disease. Therefore, it has been classified as a Variant of Uncertain Significance.

Literature cited by the submitters: PubMed 17576681; PubMed 9536098.

NM_206926.2(SELENON):c.184-3C>G

Gene: SELENON (selenoprotein N; plus strand). Cytogenetic location: 1p36.11.
Variant type: single nucleotide variant.
Coding change: c.184-3C>G on transcript NM_206926.2 (MANE Select); 3 bases into the intron before coding-DNA position 184, C replaced by G.
Molecular consequence: intron variant.
Genome position (GRCh38, 1-based): chr1:25,801,040, C>G. VCF-style: chr1-25801040-C-G. GRCh37 (hg19) VCF-style: chr1-26127531-C-G.
Other names: c.184-3C>G (NM_020451.3).
Identifiers: ClinVar variation 2018350 (VCV002018350.4), dbSNP rs1035976243, ClinGen allele CA2580062602.